The following is an entry in ClinVar:

ClinVar aggregate classification (germline): Uncertain significance (1 of 4 stars; one submission).

Allele frequency attached by ClinVar (database versions not stated): gnomAD exomes 0.00001; ExAC 0.00002; gnomAD 0.00002; TOPMed 0.00002.

Submission:

Labcorp Genetics (formerly Invitae), Labcorp
Classification: Uncertain significance. Last evaluated: 2022-11-22. Review status: criteria provided, single submitter. Criteria: Invitae Variant Classification Sherloc (09022015). Collection method: clinical testing. Allele origin: germline.
Comment: The frequency data for this variant in the population databases is considered unreliable, as metrics indicate poor data quality at this position in the gnomAD database. This sequence change replaces arginine, which is basic and polar, with glutamine, which is neutral and polar, at codon 581 of the INPPL1 protein (p.Arg581Gln). In summary, the available evidence is currently insufficient to determine the role of this variant in disease. Therefore, it has been classified as a Variant of Uncertain Significance. Algorithms developed to predict the effect of sequence changes on RNA splicing suggest that this variant may create or strengthen a splice site. Algorithms developed to predict the effect of missense changes on protein structure and function are either unavailable or do not agree on the potential impact of this missense change (SIFT: "Tolerated"; PolyPhen-2: "Probably Damaging"; Align-GVGD: "Class C0"). This variant has not been reported in the literature in individuals affected with INPPL1-related conditions.

NM_001567.4(INPPL1):c.1742G>A (p.Arg581Gln)

Gene: INPPL1 (inositol polyphosphate phosphatase like 1; plus strand). Cytogenetic location: 11q13.4.
Variant type: single nucleotide variant.
Coding change: c.1742G>A on transcript NM_001567.4 (MANE Select); coding-DNA position 1742, G replaced by A.
Protein change: p.Arg581Gln; replaces arginine 581 with glutamine.
Molecular consequence: missense variant.
Genome position (GRCh38, 1-based): chr11:72,232,655, G>A. VCF-style: chr11-72232655-G-A. GRCh37 (hg19) VCF-style: chr11-71943699-G-A.
Other names: short protein forms R581Q.
Identifiers: ClinVar variation 2174085 (VCV002174085.4), dbSNP rs766706961, ClinGen allele CA6170129.